The following is an entry in ClinVar:

ClinVar aggregate classification (germline): Conflicting classifications of pathogenicity. Review status: criteria provided, conflicting classifications (1 of 4 stars). 17 submissions from 17 submitters: Pathogenic (5); Likely pathogenic (7); Uncertain significance (1). 4 of the submissions do not count toward it. Last evaluated 2025-12-17.

Conditions:
Autosomal recessive titinopathy. Identifiers: MedGen CN315649, MONDO:0100493.
TTN-related disorder. Also called: TTN-related disorders; TTN-related condition; TTN-related disease.
Cardiovascular phenotype. Identifiers: MedGen CN230736.
Dilated cardiomyopathy 1G (CMD1G). Identifiers: Orphanet 154, MedGen C1858763, MONDO:0011400, OMIM 604145.
Autosomal recessive limb-girdle muscular dystrophy type 2J (LGMDR10). Also called: MUSCULAR DYSTROPHY, LIMB-GIRDLE, AUTOSOMAL RECESSIVE 10; Limb-girdle muscular dystrophy, type 2J. Identifiers: Orphanet 140922, MedGen C1837342, MONDO:0012127, OMIM 608807.
Cardiomyopathy (CMYO). Also called: Cardiomyopathies. Identifiers: Orphanet 167848, MedGen C0878544, MONDO:0004994, HP:0001638. Inheritance: Various modes of inheritance.
Primary dilated cardiomyopathy (DCM). Also called: Dilated Cardiomyopathy. Identifiers: Orphanet 217604, MedGen C0007193, MeSH D002311, MONDO:0005021, HP:0001644. Inheritance: Various modes of inheritance.

Allele frequency attached by ClinVar (database versions not stated): gnomAD exomes 0.00001; gnomAD 0.00001 and 0.00002; 1000 Genomes Project 30x 0.00016; ExAC 0.00001; TOPMed 0.00001; 1000 Genomes Project 0.00020.
gnomAD v4.1: 14 of 1,612,770 alleles (0.00087%); highest among the groups gnomAD compares: Admixed American, 0.0033%; no homozygotes.

Submissions 1 to 6 of 17:

Ambry Genetics
Classification: Likely pathogenic for Cardiovascular phenotype. Last evaluated: 2025-12-17. Review status: criteria provided, single submitter. Criteria: Ambry Variant Classification Scheme 2023. Collection method: clinical testing. Allele origin: germline.
Comment: The p.R5693* variant (also known as c.17077C>T), located in coding exon 66 of the TTN gene, results from a C to T substitution at nucleotide position 17077. This changes the amino acid from an arginine to a stop codon within coding exon 66. This exon is located in the I-band region of the N2-B isoform of the titin protein and is constitutively expressed in TTN transcripts (percent spliced in or PSI 100%). This variant (also referred to as p.R14758X, c.44272C>T and 2:179494977G>A) has been detected in cohorts reported to have atrial fibrillation, peripartum cardiomyopathy, left ventricular non-compaction cardiomyopathy, dilated cardiomyopathy (DCM) or who underwent genetic testing for DCM (Walsh R et al. Genet. Med., 2017 02;19:192-203; Vissing CR et al. J Med Genet. 2021 Dec;58(12):832-841; Goli R et al. Circulation. 2021 May;143(19):1852-1862; Mazzarotto F et al. Genet Med. 2021 May;23(5):856-864). This variant is expected to result in loss of function by premature protein truncation or nonsense-mediated mRNA decay. While truncating variants in TTN are present in 1-3% of the general population, truncating variants in the A-band are the most common cause of dilated cardiomyopathy (Herman DS et al. N. Engl. J. Med., 2012 Feb;366:619-28; Roberts AM et al. Sci Transl Med, 2015 Jan;7:270ra6). TTN truncating variants encoded in constitutive exons (PSI >90%) have been found to be significantly associated with DCM regardless of their position in titin (Schafer S et al. Nat. Genet., 2017 01;49:46-53; Akhtar MM et al. Circ Heart Fail, 2020 Oct;13:e006832; Massier M et al. Clin Genet, 2025 Jan). As such, this alteration is classified as likely pathogenic.

GeneDx
Classification: Likely pathogenic. Last evaluated: 2025-12-17. Review status: criteria provided, single submitter. Criteria: GeneDx Variant Classification Process June 2021. Collection method: clinical testing. Allele origin: germline. Affected: yes.
Comment: Located in a specific region of the I-band within TTN for which truncating variants are significantly associated with autosomal dominant cardiomyopathy and also with autosomal recessive skeletal myopathies (PMID: 27625338, 27869827, 32778822); Not observed at significant frequency in large population cohorts (gnomAD); This variant is associated with the following publications: (PMID: 22335739, 24503780, 30333491, 33874732, 33106378, 31737537, 33500567, 31112426, 33996946, 27532257, 27625338, 27869827, 32778822, 37728764, 31691645, 36264615, 37652022, 39844436)

Labcorp Genetics (formerly Invitae), Labcorp
Classification: Pathogenic for Dilated cardiomyopathy 1G; Autosomal recessive limb-girdle muscular dystrophy type 2J. Last evaluated: 2025-11-18. Review status: criteria provided, single submitter. Criteria: Invitae Variant Classification Sherloc (09022015). Collection method: clinical testing. Allele origin: germline.
Comment: This sequence change creates a premature translational stop signal (p.Arg14758*) in the TTN gene. While this is not anticipated to result in nonsense mediated decay, it is expected to create a truncated TTN protein. This variant is present in population databases (rs140743001, gnomAD 0.003%). This premature translational stop signal has been observed in individuals with dilated cardiomyopathy and/or left ventricular noncompaction (PMID: 27532257, 31737537, 33500567, 33874732; internal data). ClinVar contains an entry for this variant (Variation ID: 202367). This variant is located in the I band of TTN (PMID: 25589632). Truncating variants in this region have been reported in individuals affected with autosomal recessive centronuclear myopathy (PMID: 23975875, internal data). Truncating variants in this region have also been identified in individuals affected with autosomal dominant dilated cardiomyopathy and/or cardio-related conditions (PMID: 27869827, 32964742, internal data). For these reasons, this variant has been classified as Pathogenic.

PreventionGenetics, part of Exact Sciences
Classification: Pathogenic for TTN-related condition. Last evaluated: 2025-09-18. Review status: criteria provided, single submitter. Criteria: ACMG Guidelines, 2015. Collection method: clinical testing. Allele origin: germline.
Comment: The TTN c.44272C>T variant is predicted to result in premature protein termination (p.Arg14758*). This variant has been reported in individuals with dilated cardiomyopathy, atrial fibrillation, and left ventricular noncompaction cardiomyopathy (Table S1A, Walsh et al. 2017. PubMed ID: 27532257; Supplementary Data 2, Ahlberg et al. 2018. PubMed ID: 30333491; Supplementary Table S2, Mazzarotto et al. 2021. PubMed ID: 33500567). This variant is reported in 0.0029% of alleles in individuals of Latino descent in gnomAD. This variant is located in the TTN protein I-band region. RNAseq studies from heart tissue indicate this exon is commonly included in TTN mRNA transcripts (PSI of 96-100%, Roberts et al. 2015. PubMed ID: 25589632). TTN loss-of-function variants occurring in constitutively expressed exons (PSI > 90%) are more likely to be disease causing for TTN cardiac-related disorders regardless of band location (Roberts et al. 2015. PubMed ID: 25589632; Schafer et al. 2017 PubMed ID: 27869827; Akhtar et al. 2020. PubMed ID: 32964742). Many cases of recessive TTN-related myopathies in which the individual is compound heterozygous for two loss-of-function variants in TTN have also been reported (Ge et al. 2019. PubMed ID: 31053406; Oates et al. 2018. PubMed ID: 29691892; Rees et al. 2021. PubMed ID: 33449170). In summary, this variant is categorized as pathogenic. Of note, this variant is considered pathogenic for increased risk of TTN-related cardiac disorders, and also for autosomal recessive TTN-related congenital titinopathies.

CeGaT Center for Human Genetics Tuebingen
Classification: Likely pathogenic. Last evaluated: 2025-08-01. Review status: criteria provided, single submitter. Criteria: CeGaT Center For Human Genetics Tuebingen Variant Classification Criteria Version 2. Collection method: clinical testing. Allele origin: germline. Affected: yes. Observed: 1 variant allele.
Comment: TTN: PVS1:Strong, PM2, PS4:Moderate

Women's Health and Genetics/Laboratory Corporation of America, LabCorp
Classification: Likely pathogenic for Autosomal recessive titinopathy. Last evaluated: 2025-01-16. Review status: criteria provided, single submitter. Criteria: LabCorp Variant Classification Summary - May 2015. Collection method: clinical testing. Allele origin: germline.
Comment: Variant summary: TTN c.36568C>T (p.Arg12190X; also known as c.44272C>T; p.Arg14758X on NM_001267550) results in a premature termination codon, predicted to cause a truncation of the encoded protein or absence of the protein due to nonsense mediated decay, which are commonly known mechanisms for disease. Loss of function variants in all TTN bands are strongly associated with a spectrum of autosomal recessive titinopathies when exon expression (proportion spliced in, PSI, 1=complete expression) in skeletal muscle is >0.1 (PMID: 36977548, 39198997, 29598826, 32778822, 29691892, 33449170, 36977548, internal data). In contrast, loss of function variants in all TTN bands are only strongly associated with autosomal dominant TTN-related cardiomyopathies if located in exons constitutively expressed (PSI >0.9) in cardiac muscle, excluding extreme C-terminal exons 359-363 (PMID: 25589632, 31216868, 32964742, 34662387, 27869827, Shetty et al., Nat Cardiovasc Res 2024,, internal data). This variant has a maximum skeletal muscle PSI of 0.959 and a maximum cardiac muscle PSI of 1.0. The variant allele was found at a frequency of 8.1e-06 in 248384 control chromosomes (gnomAD). c.36568C>T has been reported in the literature in individuals affected with autosomal dominant cardiac conditions and autosomal recessive TTN-related conditions (examples: Vissing_JMG_2021, Goli_Circulation_2021, Xiao_FCM_2021, internal data). These data indicate that the variant is likely to be associated with disease. The following publications have been ascertained in the context of this evaluation (PMID: 33106378, 33874732, 33996946). ClinVar contains an entry for this variant (Variation ID: 202367). Based on the evidence outlined above, the variant was classified as likely pathogenic for both autosomal dominant and autosomal recessive TTN-related conditions.

NM_001267550.2(TTN):c.44272C>T (p.Arg14758Ter)

Gene: TTN (titin; minus strand). Cytogenetic location: 2q31.2.
Variant type: single nucleotide variant.
Coding change: c.44272C>T on transcript NM_001267550.2 (MANE Select); coding-DNA position 44272, C replaced by T.
Protein change: p.Arg14758Ter; replaces arginine 14758 with a stop codon.
Molecular consequence: nonsense.
Genome position (GRCh38, 1-based): chr2:178,630,250, G>A on the plus strand (C>T on the coding strand, the complement: TTN is on the minus strand). VCF-style: chr2-178630250-G-A. GRCh37 (hg19) VCF-style: chr2-179494977-G-A.
Other names: p.R13117*:CGA>TGA; c.39349C>T, p.Arg13117Ter (NM_001256850.1); c.17077C>T, p.Arg5693Ter (NM_003319.4); c.36568C>T, p.Arg12190Ter (NM_133378.4); c.17452C>T, p.Arg5818Ter (NM_133432.3); c.17653C>T, p.Arg5885Ter (NM_133437.4); short protein forms R13117*, R14758*, R12190*, R5818*, R5693*, R5885*.
Identifiers: ClinVar variation 202367 (VCV000202367.50), dbSNP rs140743001, ClinGen allele CA309212.
Genomic context (GRCh38, chr2:178,630,250, plus strand): 5'-TTTTCTGAAAAAGTGTTTATTTAATTTCCCTGAAAAATATACAATACTTACGCTTAACTC[G>A]GAGGTGGGCACTAGATTTAACATTGGCAGCTTGGAAATCCACCCCACCCGTCTGGTCCAG-3'